The following is an entry in ClinVar:

NM_000836.4(GRIN2D):c.3880G>T (p.Ala1294Ser)

Gene: GRIN2D (glutamate ionotropic receptor NMDA type subunit 2D; plus strand). Cytogenetic location: 19q13.33.
Variant type: single nucleotide variant.
Coding change: c.3880G>T on transcript NM_000836.4 (MANE Select); coding-DNA position 3880, G replaced by T.
Protein change: p.Ala1294Ser; replaces alanine 1294 with serine.
Molecular consequence: missense variant.
Genome position (GRCh38, 1-based): chr19:48,443,806, G>T. VCF-style: chr19-48443806-G-T. GRCh37 (hg19) VCF-style: chr19-48947063-G-T.
Other names: short protein forms A1294S.
Identifiers: ClinVar variation 4847885 (VCV004847885.1).

ClinVar aggregate classification (germline): Uncertain significance (1 of 4 stars; one submission).

Submission:

Women's Health and Genetics/Laboratory Corporation of America, LabCorp
Classification: Uncertain significance. Last evaluated: 2026-02-11. Review status: criteria provided, single submitter. Criteria: LabCorp Variant Classification Summary - May 2015. Collection method: clinical testing. Allele origin: germline.
Comment: Variant summary: GRIN2D c.3880G>T (p.Ala1294Ser) results in a conservative amino acid change in the encoded protein sequence. Algorithms developed to predict the effect of missense changes on protein structure and function all suggest that this variant is likely to be tolerated. The frequency data for this variant in gnomAD is considered unreliable, as metrics indicate poor data quality at this position. To our knowledge, no occurrence of c.3880G>T in individuals affected with GRIN2D-related conditions and no experimental evidence demonstrating its impact on protein function have been reported. No submitters have cited clinical-significance assessments for this variant to ClinVar. Based on the evidence outlined above, the variant was classified as uncertain significance.